The following is an entry in ClinVar:

ClinVar aggregate classification (germline): Likely benign. Review status: criteria provided, multiple submitters, no conflicts (2 of 4 stars). 2 submissions from 2 submitters: Likely benign (2). Last evaluated 2026-02-02.

Allele frequency attached by ClinVar (database versions not stated): ExAC 0.00018; gnomAD 0.00004; TOPMed 0.00003; 1000 Genomes Project 30x 0.00016; 1000 Genomes Project 0.00020.
gnomAD v4.1: 40 of 1,613,936 alleles (0.0025%); highest among the groups gnomAD compares: Admixed American, 0.065%; no homozygotes.

Submissions (2):

Labcorp Genetics (formerly Invitae), Labcorp
Classification: Likely benign. Last evaluated: 2026-02-02. Review status: criteria provided, single submitter. Criteria: Invitae Variant Classification Sherloc (09022015). Collection method: clinical testing. Allele origin: germline.

Mayo Clinic Laboratories, Mayo Clinic
Classification: Likely benign. Last evaluated: 2025-08-13. Review status: criteria provided, single submitter. Criteria: ACMG Guidelines, 2015. Collection method: clinical testing. Allele origin: germline. Observed: 1 variant allele.
Comment: BS1, BP4, BP7

NM_001080414.4(CCDC88C):c.4686C>T (p.Asn1562=)

Gene: CCDC88C (coiled-coil and HOOK domain protein 88C; minus strand). Cytogenetic location: 14q32.11.
Variant type: single nucleotide variant.
Coding change: c.4686C>T on transcript NM_001080414.4 (MANE Select); coding-DNA position 4686, C replaced by T.
Protein change: p.Asn1562=; no amino-acid change (asparagine 1562 retained).
Molecular consequence: synonymous variant.
Genome position (GRCh38, 1-based): chr14:91,281,470, G>A on the plus strand (C>T on the coding strand, the complement: CCDC88C is on the minus strand). VCF-style: chr14-91281470-G-A. GRCh37 (hg19) VCF-style: chr14-91747814-G-A.
Other names: p.Asn1562=.
Identifiers: ClinVar variation 2883349 (VCV002883349.4), dbSNP rs181936724, ClinGen allele CA7308893.
Genomic context (GRCh38, chr14:91,281,470, plus strand): 5'-CCAGTCTGGAAACCCAGGCTGGAGGACACAGCACCCTCCCTACTCACCGTACTGCCTGTG[G>A]TTGGGGACCTCAAACTCCAGGGATGGCTCACAGAGGTTGTCATCTGAGTTATAGCCTAAG-3'
Protein context (NP_001073883.2, residues 1552-1572): CEPSLEFEVP[Asn1562=]HRQYVSRPSS